The following is an entry in ClinVar:

NM_001927.4(DES):c.310A>G (p.Thr104Ala)

Gene: DES (desmin; plus strand). Cytogenetic location: 2q35.
Variant type: single nucleotide variant.
Coding change: c.310A>G on transcript NM_001927.4 (MANE Select); coding-DNA position 310, A replaced by G.
Protein change: p.Thr104Ala; replaces threonine 104 with alanine.
Molecular consequence: missense variant.
Genome position (GRCh38, 1-based): chr2:219,418,772, A>G. VCF-style: chr2-219418772-A-G. GRCh37 (hg19) VCF-style: chr2-220283494-A-G.
Other names: c.310A>G (LRG_380t1); short protein forms T104A.
Identifiers: ClinVar variation 571967 (VCV000571967.9), dbSNP rs1559352310, ClinGen allele CA350685125.

ClinVar aggregate classification (germline): Uncertain significance (1 of 4 stars; one submission).

Conditions:
Desmin-related myofibrillar myopathy (MFM1). Also called: Desminopathy; MYOFIBRILLAR MYOPATHY WITH ARRHYTHMOGENIC RIGHT VENTRICULAR CARDIOMYOPATHY; DESMIN-RELATED MYOPATHY WITH ARRHYTHMOGENIC RIGHT VENTRICULAR CARDIOMYOPATHY; Myofibrillar myopathy 1; Desmin related myopathy (former name); Desmin storage myopathy (former name). Identifiers: Orphanet 363543, Orphanet 98909, MedGen C1832370, MONDO:0011076, OMIM 601419.

Submission:

Labcorp Genetics (formerly Invitae), Labcorp
Classification: Uncertain significance for Desmin-related myofibrillar myopathy. Last evaluated: 2020-01-24. Review status: criteria provided, single submitter. Criteria: Invitae Variant Classification Sherloc (09022015). Collection method: clinical testing. Allele origin: germline.
Comment: In summary, the available evidence is currently insufficient to determine the role of this variant in disease. Therefore, it has been classified as a Variant of Uncertain Significance. Algorithms developed to predict the effect of missense changes on protein structure and function (SIFT, PolyPhen-2, Align-GVGD) all suggest that this variant is likely to be tolerated, but these predictions have not been confirmed by published functional studies and their clinical significance is uncertain. This variant has not been reported in the literature in individuals with DES-related disease. This variant is not present in population databases (ExAC no frequency). This sequence change replaces threonine with alanine at codon 104 of the DES protein (p.Thr104Ala). The threonine residue is highly conserved and there is a small physicochemical difference between threonine and alanine.